The following is an entry in ClinVar:

NR_199791.1(RNU2-2):n.155C>G

Genes: RNU2-2 (RNA, U2 small nuclear 2; minus strand), WDR74 (WD repeat domain 74; minus strand). Cytogenetic location: 11q12.3.
Variant type: single nucleotide variant.
Molecular consequence: non-coding transcript variant (on NR_199791.1). On other transcripts: 5 prime UTR variant (1).
Genome position: GRCh38 VCF-style: chr11-62841655-G-C. GRCh37 (hg19) VCF-style: chr11-62609127-G-C.
Other names: c.-384C>G (NM_001369451.1).
Identifiers: ClinVar variation 4540534 (VCV004540534.1).

ClinVar aggregate classification (germline): Uncertain significance (1 of 4 stars; one submission).

gnomAD v4.1: 4 of 152,202 alleles (0.0026%); highest among the groups gnomAD compares: African/African-American, 0.0048%; no homozygotes.

Submission:

Institute for Human Genetics, University Hospital Essen
Classification: Uncertain significance. Last evaluated: 2025-11-27. Review status: criteria provided, single submitter. Criteria: Submitter's publication. Collection method: clinical testing. Allele origin: biparental. Inheritance: Autosomal unknown. Affected: yes. Observed: 1 variant allele, 1 homozygote.
Comment: PS4_supp, PM1_supp, PM2_supp (criteria rationale detailed in Leitão et al. Nature Genetics 2026)